The following is an entry in ClinVar:

NM_020971.3(SPTBN4):c.3903A>G (p.Leu1301=)

Gene: SPTBN4 (spectrin beta, non-erythrocytic 4; plus strand). Cytogenetic location: 19q13.2.
Variant type: single nucleotide variant.
Coding change: c.3903A>G on transcript NM_020971.3 (MANE Select); coding-DNA position 3903, A replaced by G.
Protein change: p.Leu1301=; no amino-acid change (leucine 1301 retained).
Molecular consequence: synonymous variant.
Genome position (GRCh38, 1-based): chr19:40,529,086, A>G. VCF-style: chr19-40529086-A-G. GRCh37 (hg19) VCF-style: chr19-41034993-A-G.
Identifiers: ClinVar variation 3025779 (VCV003025779.21), dbSNP rs377443900, ClinGen allele CA9446130.

ClinVar aggregate classification (germline): Likely benign. Review status: criteria provided, multiple submitters, no conflicts (2 of 4 stars). 2 submissions from 2 submitters: Likely benign (2). Last evaluated 2024-02-01.

Allele frequency attached by ClinVar (database versions not stated): gnomAD exomes 0.00002; ExAC 0.00005; TOPMed 0.00008; gnomAD 0.00011; ESP Exome Variant Server 0.00015.
gnomAD v4.1: 43 of 1,613,998 alleles (0.0027%); highest among the groups gnomAD compares: Non-Finnish European, 0.0036%; 1 homozygote.

Submissions (2):

CeGaT Center for Human Genetics Tuebingen
Classification: Likely benign. Last evaluated: 2024-02-01. Review status: criteria provided, single submitter. Criteria: CeGaT Center For Human Genetics Tuebingen Variant Classification Criteria Version 2. Collection method: clinical testing. Allele origin: germline. Affected: yes. Observed: 1 variant allele.
Comment: SPTBN4: BP4, BP7

Blueprint Genetics
Classification: Likely benign. Last evaluated: 2022-12-16. Review status: criteria provided, single submitter. Criteria: ACMG Guidelines, 2015. Collection method: clinical testing. Allele origin: germline.